The following is an entry in ClinVar:

NM_001372044.2(SHANK3):c.3568C>T (p.Arg1190Ter)

Gene: SHANK3 (SH3 and multiple ankyrin repeat domains 3; plus strand). Cytogenetic location: 22q13.33.
Variant type: single nucleotide variant.
Coding change: c.3568C>T on transcript NM_001372044.2 (MANE Select); coding-DNA position 3568, C replaced by T.
Protein change: p.Arg1190Ter; replaces arginine 1190 with a stop codon.
Molecular consequence: nonsense.
Genome position (GRCh38, 1-based): chr22:50,721,176, C>T. VCF-style: chr22-50721176-C-T. GRCh37 (hg19) VCF-style: chr22-51159604-C-T.
Other names: c.3343C>T, p.Arg1115Ter (NM_033517.1); short protein forms R1115*, R1190*.
Identifiers: ClinVar variation 2442348 (VCV002442348.2), dbSNP rs929358843, ClinGen allele CA515261368.

ClinVar aggregate classification (germline): Conflicting classifications of pathogenicity. Review status: criteria provided, conflicting classifications (1 of 4 stars). 2 submissions from 2 submitters: Likely pathogenic (1); Uncertain significance (1). Last evaluated 2025-07-09.

Conditions:
Phelan-McDermid syndrome. Also called: Phelan-McDermid Syndrome-SHANK3 Related; TELOMERIC 22q13 MONOSOMY SYNDROME; 22q13.3 deletion syndrome. Identifiers: Orphanet 48652, MedGen C1853490, MONDO:0011652, OMIM 606232.

Submissions (2):

Women's Health and Genetics/Laboratory Corporation of America, LabCorp
Classification: Uncertain significance. Last evaluated: 2025-07-09. Review status: criteria provided, single submitter. Criteria: LabCorp Variant Classification Summary - May 2015. Collection method: clinical testing. Allele origin: germline.
Comment: Variant summary: SHANK3 c.3568C>T (p.Pro1190Ser) results in a non-conservative amino acid change in the encoded protein sequence. Algorithms developed to predict the effect of missense changes on protein structure and function are either unavailable or do not agree on the potential impact of this missense change. The variant was absent in 226140 control chromosomes. The available data on variant occurrences in the general population are insufficient to allow any conclusion about variant significance. To our knowledge, no occurrence of c.3568C>T in individuals affected with Phelan-McDermid Syndrome and no experimental evidence demonstrating its impact on protein function have been reported. No submitters have cited clinical-significance assessments for this variant to ClinVar. Based on the evidence outlined above, the variant was classified as uncertain significance.

Laboratoire de Génétique Moléculaire, CHU Bordeaux
Classification: Likely pathogenic for Phelan-McDermid syndrome. Last evaluated: 2019-12-10. Review status: criteria provided, single submitter. Criteria: ACMG Guidelines, 2015. Collection method: clinical testing. Allele origin: germline. Affected: yes.